The following is an entry in ClinVar:

ClinVar aggregate classification (germline): Uncertain significance (1 of 4 stars; one submission).

Allele frequency attached by ClinVar (database versions not stated): ExAC 0.00001; gnomAD 0.00001; TOPMed 0.00001.
gnomAD v4.1: 12 of 1,613,978 alleles (0.00074%); highest among the groups gnomAD compares: Non-Finnish European, 0.001%; no homozygotes.

Submission:

Labcorp Genetics (formerly Invitae), Labcorp
Classification: Uncertain significance. Last evaluated: 2023-04-07. Review status: criteria provided, single submitter. Criteria: Invitae Variant Classification Sherloc (09022015). Collection method: clinical testing. Allele origin: germline.
Comment: This sequence change replaces alanine, which is neutral and non-polar, with aspartic acid, which is acidic and polar, at codon 451 of the CARD8 protein (p.Ala451Asp). This variant is present in population databases (rs761074966, gnomAD 0.002%). This variant has not been reported in the literature in individuals affected with CARD8-related conditions. An algorithm developed to predict the effect of missense changes on protein structure and function (PolyPhen-2) suggests that this variant is likely to be tolerated. In summary, the available evidence is currently insufficient to determine the role of this variant in disease. Therefore, it has been classified as a Variant of Uncertain Significance.

NM_001184900.3(CARD8):c.1502C>A (p.Ala501Asp)

Gene: CARD8 (caspase recruitment domain family member 8; minus strand). Cytogenetic location: 19q13.33.
Variant type: single nucleotide variant.
Coding change: c.1502C>A on transcript NM_001184900.3 (MANE Select); coding-DNA position 1502, C replaced by A.
Protein change: p.Ala501Asp; replaces alanine 501 with aspartic acid.
Molecular consequence: missense variant. On other transcripts: 3 prime UTR variant (7), non-coding transcript variant (3), intron variant (1).
Genome position (GRCh38, 1-based): chr19:48,211,822, G>T on the plus strand (C>A on the coding strand, the complement: CARD8 is on the minus strand). VCF-style: chr19-48211822-G-T. GRCh37 (hg19) VCF-style: chr19-48715079-G-T.
Other names: c.1352C>A, p.Ala451Asp (NM_001184901.1, NM_001351783.2, NM_014959.5); c.*181C>A (NM_001184902.2, NM_001184903.1, NM_001351788.2 and 4 more transcripts); c.1502C>A, p.Ala501Asp (NM_001351782.2); c.1187C>A, p.Ala396Asp (NM_001351784.2); c.1166C>A, p.Ala389Asp (NM_001351786.2); c.1184C>A, p.Ala395Asp (NM_001365950.1); c.677C>A, p.Ala226Asp (NM_001426741.1); c.1033+3518C>A (NM_001351787.2); short protein forms A396D, A451D, A395D, A501D, A226D, A389D.
Identifiers: ClinVar variation 2969793 (VCV002969793.3), dbSNP rs761074966, ClinGen allele CA9547679.